The following is an entry in ClinVar:

ClinVar aggregate classification (germline): Benign (0 of 4 stars; one submission).

Conditions:
ZFHX4-related disorder. Also called: ZFHX4-related condition.

Allele frequency attached by ClinVar (database versions not stated): 1000 Genomes Project 30x 0.01312; 1000 Genomes Project 0.01398; ESP Exome Variant Server 0.02829.
gnomAD v4.1: 63,399 of 1,613,926 alleles (3.9%); highest among the groups gnomAD compares: Non-Finnish European, 4.6%; 1,459 homozygotes.

Submission:

PreventionGenetics, part of Exact Sciences
Classification: Benign for ZFHX4-related condition. Last evaluated: 2019-06-06. Review status: no assertion criteria provided. Collection method: clinical testing. Allele origin: germline.
Comment: This variant is classified as benign based on ACMG/AMP sequence variant interpretation guidelines (Richards et al. 2015 PMID: 25741868, with internal and published modifications).

NM_024721.5(ZFHX4):c.196G>C (p.Val66Leu)

Gene: ZFHX4 (zinc finger homeobox 4; plus strand). Cytogenetic location: 8q21.13.
Variant type: single nucleotide variant.
Coding change: c.196G>C on transcript NM_024721.5 (MANE Select); coding-DNA position 196, G replaced by C.
Protein change: p.Val66Leu; replaces valine 66 with leucine.
Molecular consequence: missense variant.
Genome position (GRCh38, 1-based): chr8:76,704,284, G>C. VCF-style: chr8-76704284-G-C. GRCh37 (hg19) VCF-style: chr8-77616519-G-C.
Other names: c.196G>C, p.Val66Leu (NM_001410934.1); short protein forms V66L.
Identifiers: ClinVar variation 3037425 (VCV003037425.2), dbSNP rs56261025, ClinGen allele CA4786599.
Genomic context (GRCh38, chr8:76,704,284, plus strand): 5'-TCCACAGATGACAACCTGAAAACGGATGAGCGCAAAAGTGAAGCCTTGCTGGGTTTCAGC[G>C]TTGAGAATGCAGCTGCCACTCAGGTTACCTCAGCAAAGGAGATACCCTGCAACGAATGTG-3'
Protein context (NP_078997.4, residues 56-76): RKSEALLGFS[Val66Leu]ENAAATQVTS